The following is an entry in ClinVar:

ClinVar aggregate classification (germline): Pathogenic (1 of 4 stars; one submission).

Conditions:
Mucopolysaccharidosis, MPS-II (MPS2). Also called: IDS deficiency; Sulfoiduronate sulfatase deficiency; SIDS deficiency; Mucopolysaccharidosis type 2; Attenuated MPS (subtype; formerly known as mild MPS II); Severe MPS II. Identifiers: Orphanet 580, Orphanet 79388, MedGen C0026705, MONDO:0010674, OMIM 309900.

Submission:

Laboratory of Diagnosis and Therapy of Lysosomal Disorders, University of Padova
Classification: Pathogenic for Mucopolysaccharidosis, MPS-II. Last evaluated: 2024-06-07. Review status: criteria provided, single submitter. Criteria: ACMG Guidelines, 2015. Collection method: literature only. Allele origin: germline. Affected: yes. Observed: 14 variant alleles.
Comment: In vitro or in vivo functional studies supportive of a damaging effect (PS3_Strong), Prevalence of the variant significantly increased in affected individuals compared with controls (PS4_Moderate), Absent from controls (or at low frequency) in gnomAD database (PM2_Moderate), Missense variant in a gene with a low rate of benign missense variation (PP2_Supporting), Multiple lines of computational evidence support a deleterious effect (PP3_Supporting), Patient’s phenotype or family history highly specific for the disease (PP4_Moderate)

Classification method: ACMG Guidelines [PMID:25741868] with modifications

Literature cited by the submitters: PubMed 24125893; PubMed 36077388; PubMed 9660053; PubMed 33960103; PubMed 31877959; PubMed 11683780; PubMed 30809705; PubMed 36945845.

NM_000202.8(IDS):c.1400C>T (p.Pro467Leu)

Gene: IDS (iduronate 2-sulfatase; minus strand). Cytogenetic location: Xq28.
Variant type: single nucleotide variant.
Coding change: c.1400C>T on transcript NM_000202.8 (MANE Select); coding-DNA position 1400, C replaced by T.
Protein change: p.Pro467Leu; replaces proline 467 with leucine.
Molecular consequence: missense variant.
Genome position (GRCh38, 1-based): chrX:149,482,999, G>A on the plus strand (C>T on the coding strand, the complement: IDS is on the minus strand). VCF-style: chrX-149482999-G-A. GRCh37 (hg19) VCF-style: chrX-148564530-G-A.
Other names: c.1130C>T, p.Pro377Leu (NM_001166550.4); short protein forms P467L, P377L.
Identifiers: ClinVar variation 638084 (VCV000638084.3), dbSNP rs1602725808, ClinGen allele CA414518171.